The following is an entry in ClinVar:

NM_005555.4(KRT6B):c.643G>A (p.Glu215Lys)

Gene: KRT6B (keratin 6B; minus strand). Cytogenetic location: 12q13.13.
Variant type: single nucleotide variant.
Coding change: c.643G>A on transcript NM_005555.4 (MANE Select); coding-DNA position 643, G replaced by A.
Protein change: p.Glu215Lys; replaces glutamic acid 215 with lysine.
Molecular consequence: missense variant.
Genome position (GRCh38, 1-based): chr12:52,450,518, C>T on the plus strand (G>A on the coding strand, the complement: KRT6B is on the minus strand). VCF-style: chr12-52450518-C-T. GRCh37 (hg19) VCF-style: chr12-52844302-C-T.
Other names: short protein forms E215K.
Identifiers: ClinVar variation 2372581 (VCV002372581.16), dbSNP rs201956073, ClinGen allele CA6580760.

ClinVar aggregate classification (germline): Conflicting classifications of pathogenicity. Review status: criteria provided, conflicting classifications (1 of 4 stars). 2 submissions from 2 submitters: Uncertain significance (1); Likely benign (1). Last evaluated 2024-11-01.

Conditions:
Inborn genetic diseases. Identifiers: MedGen C0950123, MeSH D030342.

Allele frequency attached by ClinVar (database versions not stated): 1000 Genomes Project 30x 0.00016; gnomAD 0.00019; 1000 Genomes Project 0.00020; ExAC 0.00026; gnomAD exomes 0.00032; ESP Exome Variant Server 0.00038.
gnomAD v4.1: 501 of 1,614,156 alleles (0.031%); highest among the groups gnomAD compares: Non-Finnish European, 0.04%; no homozygotes.

Submissions (2):

CeGaT Center for Human Genetics Tuebingen
Classification: Likely benign. Last evaluated: 2024-11-01. Review status: criteria provided, single submitter. Criteria: CeGaT Center For Human Genetics Tuebingen Variant Classification Criteria Version 2. Collection method: clinical testing. Allele origin: germline. Affected: yes. Observed: 1 variant allele.
Comment: KRT6B: BS1

Ambry Genetics
Classification: Uncertain significance for Inborn genetic diseases. Last evaluated: 2021-10-13. Review status: criteria provided, single submitter. Criteria: Ambry Variant Classification Scheme 2023. Collection method: clinical testing. Allele origin: germline.